The following is an entry in ClinVar:

NM_000137.4(FAH):c.477C>A (p.Tyr159Ter)

Gene: FAH (fumarylacetoacetate hydrolase; plus strand). Cytogenetic location: 15q25.1.
Variant type: single nucleotide variant.
Coding change: c.477C>A on transcript NM_000137.4 (MANE Select); coding-DNA position 477, C replaced by A.
Protein change: p.Tyr159Ter; replaces tyrosine 159 with a stop codon.
Molecular consequence: nonsense.
Genome position (GRCh38, 1-based): chr15:80,168,073, C>A. VCF-style: chr15-80168073-C-A. GRCh37 (hg19) VCF-style: chr15-80460415-C-A.
Other names: c.477C>A, p.Tyr159Ter (NM_001374377.1, NM_001374380.1); short protein forms Y159*.
Identifiers: ClinVar variation 5012649 (VCV005012649.1).

ClinVar aggregate classification (germline): Pathogenic (1 of 4 stars; one submission).

Conditions:
Tyrosinemia type I (TYRSN1). Also called: FAH DEFICIENCY; HEPATORENAL TYROSINEMIA; Tyrosinemia type 1; Fumarylacetoacetase deficiency; Deficiency of fumarylacetoacetase. Identifiers: Orphanet 882, MedGen C0268490, MONDO:0010161, OMIM 276700. Disease mechanism: loss of function.

Submission:

Myriad Genetics, Inc.
Classification: Pathogenic for Tyrosinemia type I. Last evaluated: 2024-01-15. Review status: criteria provided, single submitter. Criteria: Myriad Autosomal Dominant, Autosomal Recessive and X-Linked Classification Criteria (2023). Collection method: clinical testing. Allele origin: unknown.
Comment: NM_000137.2(FAH):c.477C>A(Y159*) is expected to be pathogenic in the context of tyrosinemia type I. This variant is predicted to lead to an abnormal or absent protein product due to the creation of a premature termination codon in FAH, a gene where loss-of-function variants are known to be pathogenic. Please note: this variant was assessed in the context of healthy population screening.